The following is an entry in ClinVar:

NM_021930.6(RINT1):c.1586del (p.Arg529fs)

Gene: RINT1 (RAD50 interactor 1; plus strand). Cytogenetic location: 7q22.3.
Variant type: Deletion.
Coding change: c.1586del on transcript NM_021930.6 (MANE Select); coding-DNA position 1586, one base deleted (G; older notation c.1586delG).
Protein change: p.Arg529fs; shifts the reading frame from arginine 529.
Molecular consequence: frameshift variant.
Genome position (GRCh38, 1-based): chr7:105,555,142, G deleted. VCF-style (leftmost placement, unchanged base first): chr7-105555141-AG-A. GRCh37 (hg19) VCF-style: chr7-105195588-AG-A.
Other names: c.1352del, p.Arg451fs (NM_001346599.2); c.563del, p.Arg188fs (NM_001346600.2, NM_001346603.2); c.662del, p.Arg221fs (NM_001346601.2); short protein forms R221fs, R188fs, R451fs, R529fs.
Identifiers: ClinVar variation 1775803 (VCV001775803.7), dbSNP rs1562853874, ClinGen allele CA457051062.

ClinVar aggregate classification (germline): Conflicting classifications of pathogenicity. Review status: criteria provided, conflicting classifications (1 of 4 stars). 2 submissions from 2 submitters: Pathogenic (1); Uncertain significance (1). Last evaluated 2025-02-10.

Allele frequency attached by ClinVar (database versions not stated): gnomAD 0.00001; gnomAD exomes 0.00001.

Submissions (2):

Labcorp Genetics (formerly Invitae), Labcorp
Classification: Pathogenic. Last evaluated: 2025-02-10. Review status: criteria provided, single submitter. Criteria: Invitae Variant Classification Sherloc (09022015). Collection method: clinical testing. Allele origin: germline.
Comment: This sequence change creates a premature translational stop signal (p.Arg529Lysfs*15) in the RINT1 gene. It is expected to result in an absent or disrupted protein product. Loss-of-function variants in RINT1 are known to be pathogenic (PMID: 31204009). This variant is present in population databases (no rsID available, gnomAD 0.0009%). This variant has not been reported in the literature in individuals affected with RINT1-related conditions. ClinVar contains an entry for this variant (Variation ID: 1775803). Algorithms developed to predict the effect of sequence changes on RNA splicing suggest that this variant may disrupt the consensus splice site. For these reasons, this variant has been classified as Pathogenic.

Ambry Genetics
Classification: Uncertain significance. Last evaluated: 2024-01-25. Review status: criteria provided, single submitter. Criteria: Ambry Variant Classification Scheme 2023. Collection method: clinical testing. Allele origin: germline.
Comment: The c.1586delG variant, located in coding exon 11 of the RINT1 gene, results from a deletion of one nucleotide at nucleotide position 1586, causing a translational frameshift with a predicted alternate stop codon (p.R529Kfs*15). This alteration is expected to result in loss of function by premature protein truncation or nonsense-mediated mRNA decay. The evidence for this gene-disease relationship is limited; therefore, the clinical significance of this alteration is unclear.

Literature cited by the submitters: PubMed 31204009 (cited by Labcorp Genetics (formerly Invitae), Labcorp).